The following is an entry in ClinVar:

NM_000051.4(ATM):c.8del (p.Leu3fs)

Gene: ATM (ATM serine/threonine kinase; plus strand). Cytogenetic location: 11q22.3.
Variant type: Deletion.
Coding change: c.8del on transcript NM_000051.4 (MANE Select); coding-DNA position 8, one base deleted (T; older notation c.8delT).
Protein change: p.Leu3fs; shifts the reading frame from leucine 3.
Molecular consequence: frameshift variant.
Genome position (GRCh38, 1-based): chr11:108,227,632, T deleted. VCF-style (leftmost placement, unchanged base first): chr11-108227631-CT-C. GRCh37 (hg19) VCF-style: chr11-108098358-CT-C.
Other names: c.8delT (NM_000051.3); c.8del, p.Leu3fs (NM_001351834.2, NM_001351835.2, NM_001351836.2); short protein forms L3fs.
Identifiers: ClinVar variation 246026 (VCV000246026.19), dbSNP rs879254052, ClinGen allele CA10584313.

ClinVar aggregate classification (germline): Pathogenic/Likely pathogenic. Review status: criteria provided, multiple submitters, no conflicts (2 of 4 stars). 7 submissions from 7 submitters: Pathogenic (5); Likely pathogenic (2). Last evaluated 2026-01-27.

Conditions:
Inherited breast cancer and ovarian cancer.
Hereditary cancer-predisposing syndrome. Also called: Neoplastic Syndromes, Hereditary; Tumor predisposition; Hereditary neoplastic syndrome; Hereditary Cancer Syndrome. Identifiers: Orphanet 140162, MedGen C0027672, MeSH D009386, MONDO:0015356.
Familial cancer of breast. Also called: BREAST CANCER, FAMILIAL; Hereditary breast cancer; hereditary breast carcinoma. Identifiers: Orphanet 227535, MedGen C0346153, MONDO:0016419, OMIM 114480. Disease mechanism: loss of function.
Ataxia-telangiectasia syndrome (AT). Also called: Cerebello-oculocutaneous telangiectasia; Immunodeficiency with ataxia telangiectasia; Ataxia-telangiectasia; Ataxia telangiectasia (A-T); LOUIS-BAR SYNDROME; Ataxia-telangiectasia, complementation group D. Identifiers: Orphanet 100, MedGen C0004135, MONDO:0008840, OMIM 208900.

Allele frequency attached by ClinVar (database versions not stated): gnomAD exomes below 0.00001.

Submissions (7):

Genetics Laboratory, Great Ormond Street Hospital NHS Foundation Trust, North Thames Genomic Laboratory Hub
Classification: Pathogenic for Inherited breast cancer and ovarian cancer. Last evaluated: 2026-01-27. Review status: criteria provided, single submitter. Criteria: CanVIG ATM Gene Specific V1.2. Collection method: clinical testing. Allele origin: germline. Affected: yes.
Comment: PVS1_very-strong, PM5_supporting, PM3_moderate

Labcorp Genetics (formerly Invitae), Labcorp
Classification: Pathogenic for Ataxia-telangiectasia syndrome. Last evaluated: 2024-09-04. Review status: criteria provided, single submitter. Criteria: Invitae Variant Classification Sherloc (09022015). Collection method: clinical testing. Allele origin: germline.
Comment: This sequence change creates a premature translational stop signal (p.Leu3Glnfs*13) in the ATM gene. It is expected to result in an absent or disrupted protein product. Loss-of-function variants in ATM are known to be pathogenic (PMID: 23807571, 25614872). This variant is not present in population databases (gnomAD no frequency). This variant has not been reported in the literature in individuals affected with ATM-related conditions. ClinVar contains an entry for this variant (Variation ID: 246026). For these reasons, this variant has been classified as Pathogenic.

Baylor Genetics
Classification: Likely pathogenic for Familial cancer of breast. Last evaluated: 2024-02-24. Review status: criteria provided, single submitter. Criteria: ACMG Guidelines, 2015. Collection method: clinical testing. Allele origin: unknown.

Myriad Genetics, Inc.
Classification: Pathogenic for Familial cancer of breast. Last evaluated: 2024-01-05. Review status: criteria provided, single submitter. Criteria: Myriad Autosomal Dominant, Autosomal Recessive and X-Linked Classification Criteria (2023). Collection method: clinical testing. Allele origin: unknown.
Comment: This variant is considered pathogenic. This variant creates a frameshift predicted to result in premature protein truncation.

Ambry Genetics
Classification: Pathogenic for Hereditary cancer-predisposing syndrome. Last evaluated: 2022-02-09. Review status: criteria provided, single submitter. Criteria: Ambry Variant Classification Scheme 2023. Collection method: clinical testing. Allele origin: germline.
Comment: The c.8delT pathogenic mutation, located in coding exon 1 of the ATM gene, results from a deletion of one nucleotide at nucleotide position 8, causing a translational frameshift with a predicted alternate stop codon (p.L3Qfs*13). This variant is considered to be rare based on population cohorts in the Genome Aggregation Database (gnomAD). This alteration is expected to result in loss of function by premature protein truncation or nonsense-mediated mRNA decay. As such, this alteration is interpreted as a disease-causing mutation.

GeneDx
Classification: Pathogenic. Last evaluated: 2022-01-20. Review status: criteria provided, single submitter. Criteria: GeneDx Variant Classification Process June 2021. Collection method: clinical testing. Allele origin: germline. Affected: yes.
Comment: Frameshift variant predicted to result in protein truncation or nonsense mediated decay in a gene for which loss-of-function is a known mechanism of disease; Not observed at significant frequency in large population cohorts (gnomAD); Has not been previously published as pathogenic or benign to our knowledge

Sema4
Classification: Likely pathogenic for Hereditary cancer-predisposing syndrome. Last evaluated: 2021-06-14. Review status: criteria provided, single submitter. Criteria: Sema4 Curation Guidelines. Collection method: curation. Allele origin: germline.
Comment: The ATM c.8delT (p.L3QfsX13) variant has not been reported in the literature to our knowledge. This variant causes a frameshift at amino acid 3 that results in premature termination 13 amino acids downstream. At this location, this is predicted to cause nonsense-mediated decay and result in an absent protein (loss of function). Loss of function variants in ATM are known to be pathogenic (PMID: 31050087). This variant is not reported in the Genome Aggregation Database (PMID: 32461654) but has been reported in ClinVar (Variation ID: 246026). Based on the current evidence available, this variant is interpreted as likely pathogenic.

Literature cited by the submitters: PubMed 23807571 (cited by Labcorp Genetics (formerly Invitae), Labcorp); PubMed 25614872 (cited by Labcorp Genetics (formerly Invitae), Labcorp); PubMed 31050087 (cited by Sema4).